The following is an entry in ClinVar:

ClinVar aggregate classification (germline): Uncertain significance (1 of 4 stars; one submission).

Conditions:
RYR1-related disorder. Also called: RYR1-related condition; RYR1-related disorders. Identifiers: MedGen CN239331.

Submission:

Labcorp Genetics (formerly Invitae), Labcorp
Classification: Uncertain significance for RYR1-related disorder. Last evaluated: 2025-10-01. Review status: criteria provided, single submitter. Criteria: Invitae Variant Classification Sherloc (09022015). Collection method: clinical testing. Allele origin: germline.
Comment: This sequence change replaces glycine, which is neutral and non-polar, with glutamic acid, which is acidic and polar, at codon 159 of the RYR1 protein (p.Gly159Glu). This variant is not present in population databases (gnomAD no frequency). This missense change has been observed in individual(s) with central core disease (PMID: 28357410). Invitae Evidence Modeling of protein sequence and biophysical properties (such as structural, functional, and spatial information, amino acid conservation, physicochemical variation, residue mobility, and thermodynamic stability) indicates that this missense variant is expected to disrupt RYR1 protein function with a positive predictive value of 80%. This variant disrupts the p.Gly159 amino acid residue in RYR1. Other variant(s) that disrupt this residue have been determined to be pathogenic (PMID: 30805902). This suggests that this residue is clinically significant, and that variants that disrupt this residue are likely to be disease-causing. In summary, the available evidence is currently insufficient to determine the role of this variant in disease. Therefore, it has been classified as a Variant of Uncertain Significance.

Literature cited by the submitters: PubMed 28357410; PubMed 30805902.

NM_000540.3(RYR1):c.476G>A (p.Gly159Glu)

Gene: RYR1 (ryanodine receptor 1; plus strand). Cytogenetic location: 19q13.2.
Variant type: single nucleotide variant.
Coding change: c.476G>A on transcript NM_000540.3 (MANE Select); coding-DNA position 476, G replaced by A.
Protein change: p.Gly159Glu; replaces glycine 159 with glutamic acid.
Molecular consequence: missense variant.
Genome position (GRCh38, 1-based): chr19:38,444,200, G>A. VCF-style: chr19-38444200-G-A. GRCh37 (hg19) VCF-style: chr19-38934840-G-A.
Other names: c.476G>A, p.Gly159Glu (NM_001042723.2); short protein forms G159E.
Identifiers: ClinVar variation 4710538 (VCV004710538.1).